The following is an entry in ClinVar:

NM_000069.3(CACNA1S):c.4034C>A (p.Ala1345Asp)

Gene: CACNA1S (calcium voltage-gated channel subunit alpha1 S; minus strand). Cytogenetic location: 1q32.1.
Variant type: single nucleotide variant.
Coding change: c.4034C>A on transcript NM_000069.3 (MANE Select); coding-DNA position 4034, C replaced by A.
Protein change: p.Ala1345Asp; replaces alanine 1345 with aspartic acid.
Molecular consequence: missense variant.
Genome position (GRCh38, 1-based): chr1:201,051,063, G>T on the plus strand (C>A on the coding strand, the complement: CACNA1S is on the minus strand). VCF-style: chr1-201051063-G-T. GRCh37 (hg19) VCF-style: chr1-201020191-G-T.
Other names: short protein forms A1345D.
Identifiers: ClinVar variation 2431620 (VCV002431620.1), dbSNP rs763153237, ClinGen allele CA344150295.

ClinVar aggregate classification (germline): Uncertain significance (1 of 4 stars; one submission).

Conditions:
Hypokalemic periodic paralysis, type 1. Also called: Hypokalemic Periodic Paralysis Type 1 (AD); HypoPP. Identifiers: Orphanet 681, MedGen C3714580, MONDO:0042979, OMIM 170400.

Submission:

Laboratorio de Genetica e Diagnostico Molecular, Hospital Israelita Albert Einstein
Classification: Uncertain significance for Hypokalemic periodic paralysis, type 1. Last evaluated: 2022-03-28. Review status: criteria provided, single submitter. Criteria: ACMG Guidelines, 2015. Collection method: clinical testing. Allele origin: germline. Affected: yes. Observed: 1 variant allele.
Comment: ACMG classification criteria: PM2 moderated, BP4 supporting